The following is an entry in ClinVar:

NM_002465.4(MYBPC1):c.*20-2A>G

Gene: MYBPC1 (myosin binding protein C1; plus strand). Cytogenetic location: 12q23.2.
Variant type: single nucleotide variant.
Coding change: c.*20-2A>G on transcript NM_002465.4 (MANE Select); the canonical splice acceptor site of the intron before 20 bases downstream of the stop codon, A replaced by G.
Molecular consequence: splice acceptor variant.
Genome position (GRCh38, 1-based): chr12:101,685,580, A>G. VCF-style: chr12-101685580-A-G. GRCh37 (hg19) VCF-style: chr12-102079358-A-G.
Other names: c.*30-2A>G (NM_206819.4, NM_206820.4, NM_206821.4 and 3 more transcripts); c.3434-2A>G (NM_001404675.1); c.3472-2A>G (NM_001254718.3); c.*20-2A>G (NM_001254719.3, NM_001254721.3, NM_001254720.3 and 2 more transcripts); c.3302-2A>G (NM_001404676.1); c.3320-2A>G (NM_001254723.3); c.3224-2A>G (NM_001404677.1).
Identifiers: ClinVar variation 3603044 (VCV003603044.1).
Genomic context (GRCh38, chr12:101,685,580, plus strand): 5'-GTTTCAGCGATTTTTCAGGTAGATGGTTTTGATTTGTCTGTTTTCCTTTTGGTCCTCTCT[A>G]GGTGGGCTCTCCTTCTGCAGACTCCTCTTGCAAGGCGTACCTCCAAACATAATTGATTCG-3'

ClinVar aggregate classification (germline): Uncertain significance (1 of 4 stars; one submission).

gnomAD v4.1: 2 of 1,522,368 alleles (0.00013%); highest among the groups gnomAD compares: Middle Eastern, 0.034%; no homozygotes.

Submission:

GeneDx
Classification: Uncertain significance. Last evaluated: 2024-08-01. Review status: criteria provided, single submitter. Criteria: GeneDx Variant Classification Process June 2021. Collection method: clinical testing. Allele origin: germline. Affected: yes.
Comment: Not observed at significant frequency in large population cohorts (gnomAD); In silico analysis supports a deleterious effect on splicing; Predicted to destroy canonical acceptor site and adjacent exon is non-coding. In the absence of RNA/functional studies, the actual effect of this sequence change is unknown.; Has not been previously published as pathogenic or benign to our knowledge